The following is an entry in ClinVar:

NM_001288705.3(CSF1R):c.470C>T (p.Ser157Leu)

Gene: CSF1R (colony stimulating factor 1 receptor; minus strand). Cytogenetic location: 5q32.
Variant type: single nucleotide variant.
Coding change: c.470C>T on transcript NM_001288705.3 (MANE Select); coding-DNA position 470, C replaced by T.
Protein change: p.Ser157Leu; replaces serine 157 with leucine.
Molecular consequence: missense variant. On other transcripts: non-coding transcript variant (2).
Genome position (GRCh38, 1-based): chr5:150,080,174, G>A on the plus strand (C>T on the coding strand, the complement: CSF1R is on the minus strand). VCF-style: chr5-150080174-G-A. GRCh37 (hg19) VCF-style: chr5-149459737-G-A.
Other names: c.470C>T (NM_005211.3); c.470C>T, p.Ser157Leu (NM_001349736.2, NM_001375320.1, NM_005211.4); c.26C>T, p.Ser9Leu (NM_001375321.1); short protein forms S157L, S9L.
Identifiers: ClinVar variation 1564719 (VCV001564719.10), dbSNP rs148673905, ClinGen allele CA3507174.

ClinVar aggregate classification (germline): Likely benign. Review status: criteria provided, single submitter (1 of 4 stars). 2 submissions from 2 submitters: Likely benign (1). 1 of the submissions does not count toward it. Last evaluated 2025-09-12.

Conditions:
CSF1R-related disorder. Also called: CSF1R-related condition. Identifiers: MedGen CN379780, MONDO:0100632.

Allele frequency attached by ClinVar (database versions not stated): gnomAD exomes 0.00006 and 0.00008; ExAC 0.00009; gnomAD 0.00009 and 0.00011; TOPMed 0.00009; ESP Exome Variant Server 0.00023; 1000 Genomes Project 30x 0.00031; 1000 Genomes Project 0.00040.
gnomAD v4.1: 130 of 1,613,938 alleles (0.0081%); highest among the groups gnomAD compares: Middle Eastern, 0.017%; no homozygotes.

Submissions (2):

Labcorp Genetics (formerly Invitae), Labcorp
Classification: Likely benign. Last evaluated: 2025-09-12. Review status: criteria provided, single submitter. Criteria: Invitae Variant Classification Sherloc (09022015). Collection method: clinical testing. Allele origin: germline.

PreventionGenetics, part of Exact Sciences
Classification: Uncertain significance for CSF1R-related condition. Last evaluated: 2024-01-13. Review status: no assertion criteria provided. Collection method: clinical testing. Allele origin: germline. Not counted in ClinVar's aggregate classification.
Comment: The CSF1R c.470C>T variant is predicted to result in the amino acid substitution p.Ser157Leu. To our knowledge, this variant has not been reported in the literature. This variant is reported in 0.020% of alleles in individuals of African descent in gnomAD. At this time, the clinical significance of this variant is uncertain due to the absence of conclusive functional and genetic evidence.